The following is an entry in ClinVar:

ClinVar aggregate classification (germline): Pathogenic. Review status: criteria provided, single submitter (1 of 4 stars). 3 submissions from 3 submitters: Pathogenic (1). 2 of the submissions do not count toward it. Last evaluated 2019-08-27.

Conditions:
Charcot-Marie-Tooth disease type 2. Also called: Charcot-Marie-Tooth type 2. Identifiers: Orphanet 64746, MedGen C0270914, MONDO:0018993.
Charcot-Marie-Tooth disease. Also called: Charcot-Marie-Tooth Neuropathy; Charcot-Marie-Tooth Hereditary Neuropathy. Identifiers: Orphanet 166, MedGen C0007959, MONDO:0015626.
Charcot-Marie-Tooth disease type 2A2. Also called: CHARCOT-MARIE-TOOTH DISEASE, AXONAL, AUTOSOMAL DOMINANT, TYPE 2A2A; CHARCOT-MARIE-TOOTH DISEASE, NEURONAL, TYPE 2A2; Charcot-Marie-Tooth Neuropathy Type 2A2; HEREDITARY MOTOR AND SENSORY NEUROPATHY IIA2; HMSN IIA2; CHARCOT-MARIE-TOOTH DISEASE, AXONAL, TYPE 2A2. Identifiers: Orphanet 99947, MedGen C4721887, MONDO:0012231, OMIM 609260.

Submissions (3):

Labcorp Genetics (formerly Invitae), Labcorp
Classification: Pathogenic for Charcot-Marie-Tooth disease type 2. Last evaluated: 2019-08-27. Review status: criteria provided, single submitter. Criteria: Invitae Variant Classification Sherloc (09022015). Collection method: clinical testing. Allele origin: germline.
Comment: For these reasons, this variant has been classified as Pathogenic. This variant disrupts the p.His165 amino acid residue in MFN2. Other variant(s) that disrupt this residue have been determined to be pathogenic (PMID: 16835246, 16714318, 24819634, 17309650, 24126688, 27549087). This suggests that this residue is clinically significant, and that variants that disrupt this residue are likely to be disease-causing. Algorithms developed to predict the effect of missense changes on protein structure and function are either unavailable or do not agree on the potential impact of this missense change (SIFT: "Tolerated"; PolyPhen-2: "Probably Damaging"; Align-GVGD: "Class C0"). This variant has been observed to segregate with autosomal dominant Charcot-Marie-Tooth disease with pyramidal features in a large family (PMID: 16087932). ClinVar contains an entry for this variant (Variation ID: 2275). This variant is not present in population databases (ExAC no frequency). This sequence change replaces histidine with aspartic acid at codon 165 of the MFN2 protein (p.His165Asp). The histidine residue is highly conserved and there is a moderate physicochemical difference between histidine and aspartic acid.

OMIM
Classification: Pathogenic for CHARCOT-MARIE-TOOTH DISEASE, AXONAL, TYPE 2A2A. Last evaluated: 2005-08-09. Review status: no assertion criteria provided. Collection method: literature only. Allele origin: germline. Not counted in ClinVar's aggregate classification.

Inherited Neuropathy Consortium
Classification: Uncertain significance for Charcot-Marie-Tooth disease. Review status: no assertion criteria provided. Collection method: literature only. Allele origin: germline. Affected: yes. Not counted in ClinVar's aggregate classification.

Literature cited by the submitters: PubMed 16835246 (cited by Labcorp Genetics (formerly Invitae), Labcorp); PubMed 16714318 (cited by Labcorp Genetics (formerly Invitae), Labcorp); PubMed 24819634 (cited by Labcorp Genetics (formerly Invitae), Labcorp); PubMed 17309650 (cited by Labcorp Genetics (formerly Invitae), Labcorp); PubMed 24126688 (cited by Labcorp Genetics (formerly Invitae), Labcorp); PubMed 27549087 (cited by Labcorp Genetics (formerly Invitae), Labcorp); PubMed 16087932 (cited by 3 submitters); PubMed 12601114 (cited by OMIM).

NM_014874.4(MFN2):c.493C>G (p.His165Asp)

Gene: MFN2 (mitofusin 2; plus strand). Cytogenetic location: 1p36.22.
Variant type: single nucleotide variant.
Coding change: c.493C>G on transcript NM_014874.4 (MANE Select); coding-DNA position 493, C replaced by G.
Protein change: p.His165Asp; replaces histidine 165 with aspartic acid.
Molecular consequence: missense variant.
Genome position (GRCh38, 1-based): chr1:11,997,315, C>G. VCF-style: chr1-11997315-C-G. GRCh37 (hg19) VCF-style: chr1-12057372-C-G.
Other names: c.493C>G, p.His165Asp (NM_001127660.2); short protein forms H165D.
Identifiers: ClinVar variation 2275 (VCV000002275.11), dbSNP rs119103262, ClinGen allele CA252163.